The following continues an entry in ClinVar:

NM_007294.4(BRCA1):c.1487G>A (p.Arg496His)

Gene: BRCA1. ClinVar aggregate classification (germline): Benign. Benign (1).

Submissions 18 to 39 of 39:

Institute for Biomarker Research, Medical Diagnostic Laboratories, L.L.C.
Classification: Likely benign for Hereditary cancer-predisposing syndrome. Last evaluated: 2017-07-12. Review status: criteria provided, single submitter. Criteria: ACMG Guidelines, 2015. Collection method: clinical testing. Allele origin: germline. Not counted in ClinVar's aggregate classification.

PreventionGenetics, part of Exact Sciences
Classification: Likely benign. Last evaluated: 2017-07-07. Review status: criteria provided, single submitter. Criteria: ACMG Guidelines, 2015. Collection method: clinical testing. Allele origin: germline. Not counted in ClinVar's aggregate classification.

Genetic Services Laboratory, University of Chicago
Classification: Likely benign. Last evaluated: 2017-03-29. Review status: criteria provided, single submitter. Criteria: ACMG Guidelines, 2015. Collection method: clinical testing. Allele origin: germline. Affected: no. Not counted in ClinVar's aggregate classification.

Laboratory for Molecular Medicine, Mass General Brigham Personalized Medicine
Classification: Likely benign. Last evaluated: 2016-03-29. Review status: criteria provided, single submitter. Criteria: LMM Criteria. Collection method: clinical testing. Allele origin: germline. Not counted in ClinVar's aggregate classification.
Comment: Variant identified in a genome or exome case(s) and assessed due to predicted null impact of the variant or pathogenic assertions in the literature or databases. Disclaimer: This variant has not undergone full assessment. The following are preliminary notes: ExAC: 0.1% (51/66708) European; ClinVar: 5 B/LB, 3 VUS

Color Diagnostics, LLC DBA Color Health
Classification: Likely benign for Hereditary cancer-predisposing syndrome. Last evaluated: 2015-02-11. Review status: criteria provided, single submitter. Criteria: ACMG Guidelines, 2015. Collection method: clinical testing. Allele origin: germline. Not counted in ClinVar's aggregate classification.

Ambry Genetics
Classification: Benign for Hereditary cancer-predisposing syndrome. Last evaluated: 2014-11-18. Review status: criteria provided, single submitter. Criteria: Ambry Variant Classification Scheme 2023. Collection method: clinical testing. Allele origin: germline. Not counted in ClinVar's aggregate classification.

Pathway Genomics
Classification: Benign for Breast-ovarian cancer, familial 1. Last evaluated: 2014-10-30. Review status: criteria provided, single submitter. Criteria: ACMG Guidelines, 2015. Collection method: clinical testing. Allele origin: germline. Not counted in ClinVar's aggregate classification.

Women's Health and Genetics/Laboratory Corporation of America, LabCorp
Classification: Benign for Hereditary breast ovarian cancer syndrome. Last evaluated: 2014-09-29. Review status: criteria provided, single submitter. Criteria: LabCorp Variant Classification Summary - May 2015. Collection method: clinical testing. Allele origin: germline. Not counted in ClinVar's aggregate classification.

GeneDx
Classification: Benign. Last evaluated: 2013-12-12. Review status: criteria provided, single submitter. Criteria: GeneDx Variant Classification (06012015). Collection method: clinical testing. Allele origin: germline. Affected: yes. Not counted in ClinVar's aggregate classification.
Comment: This variant is considered likely benign or benign based on one or more of the following criteria: it is a conservative change, it occurs at a poorly conserved position in the protein, it is predicted to be benign by multiple in silico algorithms, and/or has population frequency not consistent with disease.

Biesecker Lab/Clinical Genomics Section, National Institutes of Health
Classification: Likely benign for Breast-ovarian cancer, familial, susceptibility to, 1. Last evaluated: 2023-10-03. Review status: no assertion criteria provided. Collection method: research. Allele origin: germline. Inheritance: Autosomal dominant inheritance. Affected: no. Observed: 2 variant alleles. Study: ClinSeq. Not counted in ClinVar's aggregate classification.
Comment: BS1 based on allele frequency in NFE of 0.000884 in gnomAD. REVEL 0.550.

BRCAlab, Lund University
Classification: Benign for Breast-ovarian cancer, familial, susceptibility to, 1. Last evaluated: 2020-03-02. Review status: no assertion criteria provided. Collection method: clinical testing. Allele origin: germline. Affected: yes. Not counted in ClinVar's aggregate classification.

Department of Medical Genetics, University Hospital of North Norway
Classification: Likely benign for Breast-ovarian cancer, familial, susceptibility to, 1. Last evaluated: 2016-05-01. Review status: no assertion criteria provided. Collection method: clinical testing. Allele origin: germline. Affected: no. Observed: 1 variant allele. Not counted in ClinVar's aggregate classification.

Counsyl
Classification: Likely benign for Breast-ovarian cancer, familial 1. Last evaluated: 2014-05-08. Review status: no assertion criteria provided. Collection method: literature only. Allele origin: unknown. Inheritance: Autosomal dominant inheritance. Not counted in ClinVar's aggregate classification.

ITMI
No classification provided. Condition: AllHighlyPenetrant. Last evaluated: 2013-09-19. Review status: no classification provided. Collection method: reference population. Allele origin: germline. Not counted in ClinVar's aggregate classification.
Comment: Please see associated publication for description of ethnicities

Breast Cancer Information Core (BIC) (BRCA1)
Classification: Uncertain significance for Breast-ovarian cancer, familial 1. Last evaluated: 2002-05-29. Review status: no assertion criteria provided. Collection method: clinical testing. Allele origin: germline. Affected: yes. Observed: 86 variant alleles. Not counted in ClinVar's aggregate classification.

Clinical Genetics DNA and cytogenetics Diagnostics Lab, Erasmus MC, Erasmus Medical Center
Classification: Benign. Review status: no assertion criteria provided. Collection method: clinical testing. Allele origin: germline. Affected: yes. Study: VKGL Data-share Consensus. Not counted in ClinVar's aggregate classification.

Clinical Genetics Laboratory, Department of Pathology, Netherlands Cancer Institute
Classification: Benign. Review status: no assertion criteria provided. Collection method: clinical testing. Allele origin: germline. Affected: yes. Study: VKGL Data-share Consensus. Not counted in ClinVar's aggregate classification.

Department of Pathology and Laboratory Medicine, Sinai Health System
Classification: Benign for Malignant tumor of breast. Review status: no assertion criteria provided. Collection method: clinical testing. Allele origin: unknown. Affected: yes. Study: The Canadian Open Genetics Repository (COGR). Not counted in ClinVar's aggregate classification.
Comment: The BRCA1 p.Arg496His variant was identified in at least 10 of 116730 proband chromosomes (frequency: 0.00009) from individuals or families with breast cancer, and was present in 2 of 1602 control chromosomes (frequency: 0.002) from healthy individuals (Arnold 2002, Bodian 2014, Capanu 2011, Horvath 2013, Schoumacher 2001, Soegaard 2008, Spitzer 2000). The variant was also identified in HGMD, LOVD, the ClinVar database (classified through clinical testing as a benign variant by Invitae and GeneDX), the BIC database (86X with unknown clinical importance), and UMD (15X as a neutral variant). In UMD the variant was identified with a 6 different co-occurring pathogenic BRCA1 variants, and Judkins (2005) also found the variant in trans with a known deleterious variant in BRCA1, increasing the likelihood that the p.Arg496Hisvariant does not have clinical significance. In The variant was identified by the Exome Variant Server project in 8 of 8600 European American alleles (frequency: 0.0009), and in dbSNP (ID: rs28897677) with an allele frequency of 0.002 in the ClinSeq project, increasing the likelihood that this may be a low frequency benign variant in certain populations of origin. The p.Arg496 residue is not conserved in mammals and the variant amino acid histidine (His) is present in dog and opossum, increasing the likelihood that this variant does not have clinical significance. Computational analyses (PolyPhen-2, SIFT, AlignGVGD, MutationTaster) do not suggest a high likelihood of impact to the protein, and in silico studies assessing evolutionary conservation, amino acid properties, or multifactorial probability based models all suggest that the variant is not pathogenic or neutral/of little clinical significance (Abkevich 2004, Capanu 2011, Lee 2008, Lindor 2011, Tavtigian 2006). In summary, based on the above information, this variant meets our laboratory's criteria to be classified as benign.

Diagnostic Laboratory, Department of Genetics, University Medical Center Groningen
Classification: Benign for Breast-ovarian cancer, familial, susceptibility to, 1. Review status: no assertion criteria provided. Collection method: clinical testing. Allele origin: germline. Affected: yes. Study: VKGL Data-share Consensus. Not counted in ClinVar's aggregate classification.

Genome Diagnostics Laboratory, University Medical Center Utrecht
Classification: Benign. Review status: no assertion criteria provided. Collection method: clinical testing. Allele origin: germline. Affected: yes. Study: VKGL Data-share Consensus. Not counted in ClinVar's aggregate classification.

Joint Genome Diagnostic Labs from Nijmegen and Maastricht, Radboudumc and MUMC+
Classification: Benign. Review status: no assertion criteria provided. Collection method: clinical testing. Allele origin: germline. Affected: yes. Study: VKGL Data-share Consensus. Not counted in ClinVar's aggregate classification.

Laboratory of Diagnostic Genome Analysis, Leiden University Medical Center (LUMC)
Classification: Benign. Review status: no assertion criteria provided. Collection method: clinical testing. Allele origin: germline. Affected: yes. Study: VKGL Data-share Consensus. Not counted in ClinVar's aggregate classification.

Literature cited by the submitters: PubMed 21990134 (cited by 4 submitters); DOI 10.3389/fgene.2022.834265 (cited by National Health Laboratory Service, Universitas Academic Hospital and University of the Free State); PubMed 18415037 (cited by Illumina Laboratory Services, Illumina and Counsyl); PubMed 24728327 (cited by Illumina Laboratory Services, Illumina and ITMI); PubMed 15235020 (cited by Illumina Laboratory Services, Illumina and Counsyl); PubMed 16683254 (cited by Illumina Laboratory Services, Illumina and Counsyl); PubMed 16267036 (cited by 3 submitters); PubMed 15983021 (cited by Illumina Laboratory Services, Illumina); PubMed 10699917 (cited by Illumina Laboratory Services, Illumina and Counsyl); PubMed 18559594 (cited by Illumina Laboratory Services, Illumina); PubMed 21520273 (cited by Illumina Laboratory Services, Illumina and Counsyl); PubMed 12457999 (cited by Illumina Laboratory Services, Illumina and Counsyl); PubMed 16014699 (cited by 3 submitters); PubMed 21702907 (cited by Illumina Laboratory Services, Illumina and Counsyl); PubMed 11400546 (cited by Illumina Laboratory Services, Illumina and Counsyl); PubMed 27495310 (cited by Department of Medical Genetics, University Hospital of North Norway).